The following is an entry in ClinVar:

NM_001291415.2(KDM6A):c.3893-17_3893-14del

Gene: KDM6A (lysine demethylase 6A; plus strand). Cytogenetic location: Xp11.3.
Variant type: Deletion.
Coding change: c.3893-17_3893-14del on transcript NM_001291415.2 (MANE Select); 17 bases into the intron before coding-DNA position 3893 through 14 bases into the intron before coding-DNA position 3893, 4 bases deleted (GTTT; older notation c.3893-17_3893-14delGTTT).
Molecular consequence: intron variant.
Genome position (GRCh38, 1-based): chrX:45,090,706-45,090,709, GTTT deleted; deleting any 4 consecutive bases within chrX:45,090,705-45,090,709 gives the same sequence; the c. name uses the placement nearest the transcript's 3' end. VCF-style (leftmost placement, unchanged base first): chrX-45090704-CTGTT-C. GRCh37 (hg19) VCF-style: chrX-44949949-CTGTT-C.
Other names: c.3893-17_3893-14del (NM_001419809.1); c.3791-17_3791-14del (NM_001419810.1, NM_001419813.1); c.3737-17_3737-14del (NM_001419812.1, NM_021140.4); c.3635-17_3635-14del (NM_001419814.1, NM_001410742.1); c.3758-17_3758-14del (NM_001419811.1, NM_001291416.2); c.3602-17_3602-14del (NM_001291417.2); c.3500-17_3500-14del (NM_001419815.1, NM_001291418.2); c.2849-17_2849-14del (NM_001291421.2); and 1 more.
Identifiers: ClinVar variation 3896600 (VCV003896600.2).

ClinVar aggregate classification (germline): Likely benign (1 of 4 stars; one submission).

Submission:

Women's Health and Genetics/Laboratory Corporation of America, LabCorp
Classification: Likely benign. Last evaluated: 2025-04-28. Review status: criteria provided, single submitter. Criteria: LabCorp Variant Classification Summary - May 2015. Collection method: clinical testing. Allele origin: germline.
Comment: Variant summary: KDM6A c.3737-17_3737-14delGTTT alters a nucleotide located at a position not widely known to affect splicing. Consensus agreement among computation tools predict no significant impact on normal splicing. However, these predictions have yet to be confirmed by functional studies. The variant was absent in 178315 control chromosomes. The available data on variant occurrences in the general population are insufficient to allow any conclusion about variant significance. To our knowledge, no occurrence of c.3737-17_3737-14delGTTT in individuals affected with Kabuki Syndrome 2 and no experimental evidence demonstrating its impact on protein function have been reported. No submitters have cited clinical-significance assessments for this variant to ClinVar. Based on the evidence outlined above, the variant was classified as likely benign.